The following is an entry in ClinVar:

ClinVar aggregate classification (germline): Uncertain significance. Review status: reviewed by expert panel (3 of 4 stars). 3 submissions from 2 submitters: Uncertain significance (1). 2 of the submissions do not count toward it. Last evaluated 2026-01-20.

Conditions:
Glaucoma. Identifiers: MedGen C0017601, MONDO:0005041, HP:0000501.
Open-angle glaucoma. Identifiers: MedGen C0017612, MONDO:0005338, HP:0012108.
Glaucoma 1, open angle, A (GLC1A). Also called: Glaucoma, Dominant (Juvenile Onset). Identifiers: Orphanet 98977, MedGen C1842028, MONDO:0007664, OMIM 137750.

Allele frequency attached by ClinVar (database versions not stated): TOPMed below 0.00001; ExAC 0.00005; gnomAD 0.00001; gnomAD exomes 0.00004 and 0.00002.

Submissions (3):

ClinGen Glaucoma Variant Curation Expert Panel
Classification: Uncertain significance for Open-angle glaucoma. Last evaluated: 2026-01-20. Review status: reviewed by expert panel. Criteria: ClinGen Glaucoma ACMG Specifications V2.0.0 Approved. Collection method: curation. Allele origin: germline. Inheritance: Autosomal dominant inheritance.
Comment: The c.992C>T variant in MYOC is a missense variant predicted to cause substitution of Serine by Leucine at amino acid 331 (p.Ser331Leu). The highest minor allele frequency of this variant was in the South Asian genetic ancestry group of gnomAD (v4.1.0) = 0.0002416 (22 alleles out of 91,070), which did not meet the PM2_Supporting allele frequency threshold (≤ 0.0001) or the BS1 allele frequency threshold (≥ 0.001). The REVEL score = 0.543, which was neither above nor below the thresholds for PP3 (≥ 0.644) or BP4 (≤ 0.290), predicting a damaging or benign impact on MYOC function. The Ser331Leu protein was assessed in an assay (PMID: 36579626), however, the results of this study were inconsistent and functional evidence was not included. Although a proband with primary open angle glaucoma had been reported carrying this variant, PM2_Supporting was not met, therefore PS4 did not apply. In summary, this variant did not meet any criteria, receiving a score of 0 and a classification as a variant of uncertain significance (uncertain significance classification range -1 to 5, adapted from PMID: 32720330) for primary open angle glaucoma based on the ACMG/AMP criteria met, as specified by the ClinGen Glaucoma VCEP (v2.0.0, 5 Dec 2024): none

Illumina Laboratory Services, Illumina
Classification: Uncertain significance for Glaucoma 1, open angle, A. Last evaluated: 2018-01-13. Review status: criteria provided, single submitter. Criteria: ICSL Variant Classification Criteria 13 December 2019. Collection method: clinical testing. Allele origin: germline. Not counted in ClinVar's aggregate classification.

Illumina Laboratory Services, Illumina
Classification: Uncertain significance for Glaucoma. Last evaluated: 2018-01-13. Review status: criteria provided, single submitter. Criteria: ICSL Variant Classification Criteria 13 December 2019. Collection method: clinical testing. Allele origin: germline. Not counted in ClinVar's aggregate classification.

NM_000261.2(MYOC):c.992C>T (p.Ser331Leu)

Gene: MYOC (myocilin; minus strand). Cytogenetic location: 1q24.3.
Variant type: single nucleotide variant.
Coding change: c.992C>T on transcript NM_000261.2 (MANE Select); coding-DNA position 992, C replaced by T.
Protein change: p.Ser331Leu; replaces serine 331 with leucine.
Molecular consequence: missense variant.
Genome position (GRCh38, 1-based): chr1:171,636,448, G>A on the plus strand (C>T on the coding strand, the complement: MYOC is on the minus strand). VCF-style: chr1-171636448-G-A. GRCh37 (hg19) VCF-style: chr1-171605588-G-A.
Other names: NM_000261.2(MYOC):c.992C>T; p.Ser331Leu; short protein forms S331L.
Identifiers: ClinVar variation 293710 (VCV000293710.7), dbSNP rs775982158, ClinGen allele CA1244102.